The following is an entry in ClinVar:

NM_001379500.1(COL18A1):c.2790C>T (p.Gly930=)

Genes: COL18A1 (collagen type XVIII alpha 1 chain; plus strand), SLC19A1 (solute carrier family 19 member 1; minus strand). Cytogenetic location: 21q22.3.
Variant type: single nucleotide variant.
Coding change: c.2790C>T on transcript NM_001379500.1 (MANE Select); coding-DNA position 2790, C replaced by T.
Protein change: p.Gly930=; no amino-acid change (glycine 930 retained).
Molecular consequence: synonymous variant.
Genome position (GRCh38, 1-based): chr21:45,504,478, C>T. VCF-style: chr21-45504478-C-T. GRCh37 (hg19) VCF-style: chr21-46924392-C-T.
Other names: NM_130445.2:c.2790C>T; c.3330C>T, p.Gly1110= (NM_030582.4); c.4035C>T, p.Gly1345= (NM_130444.3).
Identifiers: ClinVar variation 447122 (VCV000447122.18), dbSNP rs564134000, ClinGen allele CA10067471.
Genomic context (GRCh38, chr21:45,504,478, plus strand): 5'-GGAGAAGGGAGACCGAGGTGATGCAGGACAGAAAGGCGAAAGGGGGGAGCCCGGGGGCGG[C>T]GGTTTCTTCGGCTCCAGCCTGCCCGGCCCCCCCGGCCCCCCAGGCCCCCCAGGCCCACGT-3'
Protein context (NP_001366429.1, residues 920-940): QKGERGEPGG[Gly930=]GFFGSSLPGP

ClinVar aggregate classification (germline): Benign/Likely benign. Review status: criteria provided, multiple submitters, no conflicts (2 of 4 stars). 6 submissions from 6 submitters: Benign (2); Likely benign (4). Last evaluated 2026-05-01.

Conditions:
Knobloch syndrome (KNO). Also called: Myopia retinal detachment encephalocele; RETINAL DETACHMENT AND OCCIPITAL ENCEPHALOCELE. Identifiers: Orphanet 1571, MedGen C1849409, MONDO:0800166.

Allele frequency attached by ClinVar (database versions not stated): gnomAD exomes 0.00017 and 0.00047; ExAC 0.00057; gnomAD 0.00078 and 0.00079; TOPMed 0.00098; 1000 Genomes Project 0.00220; 1000 Genomes Project 30x 0.00250.
gnomAD v4.1: 372 of 1,603,322 alleles (0.023%); highest among the groups gnomAD compares: African/African-American, 0.29%; 2 homozygotes.

Submissions (7):

CeGaT Center for Human Genetics Tuebingen
Classification: Likely benign. Last evaluated: 2026-05-01. Review status: criteria provided, single submitter. Criteria: CeGaT Center For Human Genetics Tuebingen Variant Classification Criteria Version 2. Collection method: clinical testing. Allele origin: germline. Affected: yes. Observed: 1 variant allele.
Comment: COL18A1: BP4, BP7

Labcorp Genetics (formerly Invitae), Labcorp
Classification: Benign. Last evaluated: 2026-01-12. Review status: criteria provided, single submitter. Criteria: Invitae Variant Classification Sherloc (09022015). Collection method: clinical testing. Allele origin: germline.

Blueprint Genetics
Classification: Likely benign. Last evaluated: 2024-03-01. Review status: criteria provided, single submitter. Criteria: ACMG Guidelines, 2015. Collection method: clinical testing. Allele origin: germline.

Illumina Laboratory Services, Illumina
Classification: Likely benign for Knobloch syndrome 1. Last evaluated: 2018-01-13. Review status: criteria provided, single submitter. Criteria: ICSL Variant Classification Criteria 13 December 2019. Collection method: clinical testing. Allele origin: germline.
Comment: This variant was observed in the ICSL laboratory as part of a predisposition screen in an ostensibly healthy population. It had not been previously curated by ICSL or reported in the Human Gene Mutation Database (HGMD: prior to June 1st, 2018), and was therefore a candidate for classification through an automated scoring system. Utilizing variant allele frequency, disease prevalence and penetrance estimates, and inheritance mode, an automated score was calculated to assess if this variant is too frequent to cause the disease. Based on the score and internal cut-off values, a variant classified as likely benign is not then subjected to further curation. The score for this variant resulted in a classification of likely benign for this disease.

Athena Diagnostics
Classification: Benign. Last evaluated: 2017-06-27. Review status: criteria provided, single submitter. Criteria: Athena Diagnostics Criteria. Collection method: clinical testing. Allele origin: germline.

Breakthrough Genomics
Classification: Likely benign. Review status: criteria provided, single submitter. Criteria: ACMG Guidelines, 2015. Collection method: not provided. Allele origin: germline. Inheritance: Autosomal recessive inheritance. Affected: yes.

Dr. Peter K. Rogan Lab, Western University
No classification provided (evidence only). Condition: Papillary renal cell carcinoma type 1. Review status: no classification provided. Collection method: in vitro. Allele origin: not applicable. Functional consequence: retained intron. Not counted in ClinVar's aggregate classification.